The following is an entry in ClinVar:

NM_002234.4(KCNA5):c.1190C>T (p.Ala397Val)

Gene: KCNA5 (potassium voltage-gated channel subfamily A member 5; plus strand). Cytogenetic location: 12p13.32.
Variant type: single nucleotide variant.
Coding change: c.1190C>T on transcript NM_002234.4 (MANE Select); coding-DNA position 1190, C replaced by T.
Protein change: p.Ala397Val; replaces alanine 397 with valine.
Molecular consequence: missense variant.
Genome position (GRCh38, 1-based): chr12:5,045,337, C>T. VCF-style: chr12-5045337-C-T. GRCh37 (hg19) VCF-style: chr12-5154503-C-T.
Other names: short protein forms A397V.
Identifiers: ClinVar variation 1026646 (VCV001026646.9), dbSNP rs748288439, ClinGen allele CA6399818.
Genomic context (GRCh38, chr12:5,045,337, plus strand): 5'-CAGAGCAGCAGCCAGGGGGTGGAGGAGGCGGCCAGAATGGGCAGCAGGCCATGTCCCTGG[C>T]CATCCTCCGAGTCATCCGCCTGGTCCGGGTGTTCCGCATCTTCAAGCTCTCCCGCCACTC-3'
Protein context (NP_002225.2, residues 387-407): GQNGQQAMSL[Ala397Val]ILRVIRLVRV

ClinVar aggregate classification (germline): Uncertain significance. Review status: criteria provided, multiple submitters, no conflicts (2 of 4 stars). 2 submissions from 2 submitters: Uncertain significance (2). Last evaluated 2025-09-14.

Conditions:
Atrial fibrillation, familial, 7 (ATFB7). Identifiers: MedGen C2677106, MONDO:0012828, OMIM 612240.

Allele frequency attached by ClinVar (database versions not stated): gnomAD exomes below 0.00001 and 0.00001; ExAC 0.00001; gnomAD 0.00001; TOPMed 0.00002.

Submissions (2):

Labcorp Genetics (formerly Invitae), Labcorp
Classification: Uncertain significance for Atrial fibrillation, familial, 7. Last evaluated: 2025-09-14. Review status: criteria provided, single submitter. Criteria: Invitae Variant Classification Sherloc (09022015). Collection method: clinical testing. Allele origin: germline.
Comment: This sequence change replaces alanine, which is neutral and non-polar, with valine, which is neutral and non-polar, at codon 397 of the KCNA5 protein (p.Ala397Val). This variant is present in population databases (rs748288439, gnomAD no frequency). This variant has not been reported in the literature in individuals affected with KCNA5-related conditions. ClinVar contains an entry for this variant (Variation ID: 1026646). Invitae Evidence Modeling of protein sequence and biophysical properties (such as structural, functional, and spatial information, amino acid conservation, physicochemical variation, residue mobility, and thermodynamic stability) indicates that this missense variant is not expected to disrupt KCNA5 protein function with a negative predictive value of 80%. In summary, the available evidence is currently insufficient to determine the role of this variant in disease. Therefore, it has been classified as a Variant of Uncertain Significance.

Fulgent Genetics
Classification: Uncertain significance for Atrial fibrillation, familial, 7. Last evaluated: 2021-07-27. Review status: criteria provided, single submitter. Criteria: ACMG Guidelines, 2015. Collection method: clinical testing. Allele origin: unknown.